The following is an entry in ClinVar:

ClinVar aggregate classification (germline): Pathogenic (1 of 4 stars; one submission).

Conditions:
Sulfite oxidase deficiency due to molybdenum cofactor deficiency type A. Also called: Molybdenum cofactor deficiency, complementation group A; Molybdenum Cofactor Deficiency A. Identifiers: Orphanet 308386, Orphanet 833, MedGen C1854988, MONDO:0009643, OMIM 252150.

gnomAD v4.1: 4 of 1,546,384 alleles (0.00026%); highest among the groups gnomAD compares: Non-Finnish European, 0.00017%; no homozygotes.

Submission:

Labcorp Genetics (formerly Invitae), Labcorp
Classification: Pathogenic for Sulfite oxidase deficiency due to molybdenum cofactor deficiency type A. Last evaluated: 2022-08-07. Review status: criteria provided, single submitter. Criteria: Invitae Variant Classification Sherloc (09022015). Collection method: clinical testing. Allele origin: germline.
Comment: For these reasons, this variant has been classified as Pathogenic. This variant has not been reported in the literature in individuals affected with MOCS1-related conditions. This variant is not present in population databases (gnomAD no frequency). This sequence change creates a premature translational stop signal (p.Arg37*) in the MOCS1 gene. It is expected to result in an absent or disrupted protein product. Loss-of-function variants in MOCS1 are known to be pathogenic (PMID: 12754701, 16021469).

Literature cited by the submitters: PubMed 12754701; PubMed 16021469.

NM_001358530.2(MOCS1):c.109C>T (p.Arg37Ter)

Gene: MOCS1 (molybdenum cofactor synthesis 1; minus strand). Cytogenetic location: 6p21.2.
Variant type: single nucleotide variant.
Coding change: c.109C>T on transcript NM_001358530.2 (MANE Select); coding-DNA position 109, C replaced by T.
Protein change: p.Arg37Ter; replaces arginine 37 with a stop codon.
Molecular consequence: nonsense. On other transcripts: 5 prime UTR variant (2), non-coding transcript variant (1).
Genome position (GRCh38, 1-based): chr6:39,934,309, G>A on the plus strand (C>T on the coding strand, the complement: MOCS1 is on the minus strand). VCF-style: chr6-39934309-G-A. GRCh37 (hg19) VCF-style: chr6-39902048-G-A.
Other names: c.109C>T, p.Arg37Ter (NM_001075098.4, NM_001358529.2); c.-26C>T (NM_001358531.2, NM_001358533.2); short protein forms R37*.
Identifiers: ClinVar variation 2022501 (VCV002022501.4), dbSNP rs1424748492, ClinGen allele CA364030418.